The following is an entry in ClinVar:

NM_000258.3(MYL3):c.80C>G (p.Pro27Arg)

Gene: MYL3 (myosin light chain 3; minus strand). Cytogenetic location: 3p21.31.
Variant type: single nucleotide variant.
Coding change: c.80C>G on transcript NM_000258.3 (MANE Select); coding-DNA position 80, C replaced by G.
Protein change: p.Pro27Arg; replaces proline 27 with arginine.
Molecular consequence: missense variant.
Genome position (GRCh38, 1-based): chr3:46,863,311, G>C on the plus strand (C>G on the coding strand, the complement: MYL3 is on the minus strand). VCF-style: chr3-46863311-G-C. GRCh37 (hg19) VCF-style: chr3-46904801-G-C.
Other names: short protein forms P27R.
Identifiers: ClinVar variation 921559 (VCV000921559.5), dbSNP rs1210373907, ClinGen allele CA352499652.
Genomic context (GRCh38, chr3:46,863,311, plus strand): 5'-TCCATACCCACCTTGATCTTGGAAGCATCAAACTCGACCTCCTTAGGGCGCTCAGGCTCA[G>C]GGGGAGGTGCGGGAGCTGGAGCTGCCTTGGGGGCTGCCTTGGCATCATCCTTCTTGGGCT-3'
Protein context (NP_000249.1, residues 17-37): PKAAPAPAPP[Pro27Arg]EPERPKEVEF

ClinVar aggregate classification (germline): Uncertain significance. Review status: criteria provided, multiple submitters, no conflicts (2 of 4 stars). 2 submissions from 2 submitters: Uncertain significance (2). Last evaluated 2024-03-06.

Conditions:
Hypertrophic cardiomyopathy 8. Also called: CARDIOMYOPATHY, HYPERTROPHIC, MID-LEFT VENTRICULAR CHAMBER TYPE, 1; MYL3-Related Familial Hypertrophic Cardiomyopathy. Identifiers: MedGen C1837471, MONDO:0012111, OMIM 608751.
Cardiomyopathy (CMYO). Also called: Cardiomyopathies. Identifiers: Orphanet 167848, MedGen C0878544, MONDO:0004994, HP:0001638. Inheritance: Various modes of inheritance.

Submissions (2):

Color Diagnostics, LLC DBA Color Health
Classification: Uncertain significance for Cardiomyopathy. Last evaluated: 2024-03-06. Review status: criteria provided, single submitter. Criteria: ACMG Guidelines, 2015. Collection method: clinical testing. Allele origin: germline.
Comment: This missense variant replaces proline with arginine at codon 27 of the MYL3 protein. Computational prediction suggests that this variant may not impact protein structure and function (internally defined REVEL score threshold <= 0.5, PMID: 27666373). To our knowledge, functional studies have not been reported for this variant. This variant has not been reported in individuals affected with cardiovascular disorders in the literature. This variant has been identified in 1/250434 chromosomes in the general population by the Genome Aggregation Database (gnomAD). The available evidence is insufficient to determine the role of this variant in disease conclusively. Therefore, this variant is classified as a Variant of Uncertain Significance.

Clinical Genomics Laboratory, Stanford Medicine
Classification: Uncertain significance for Hypertrophic cardiomyopathy 8. Last evaluated: 2022-03-17. Review status: criteria provided, single submitter. Criteria: ACMG Guidelines, 2015. Collection method: clinical testing. Allele origin: germline. Affected: yes. Observed: 1 variant allele, 1 heterozygote.
Comment: The p.Pro27Arg variant in the MYL3 gene has not been previously reported in association with disease. This variant has been identified in 1/18,394 East Asian chromosomes by the Genome Aggregation Database. Computational tools predict that this variant does not impact protein function; however, the accuracy of in silico algorithms is limited. In summary, the significance of the p.Pro27Arg variant is uncertain. Additional information is needed to resolve the significance of this variant. [ACMG evidence codes used: PM2]_x000D_